The following is an entry in ClinVar:

ClinVar aggregate classification (germline): Pathogenic. Review status: criteria provided, multiple submitters, no conflicts (2 of 4 stars). 2 submissions from 2 submitters: Pathogenic (2). Last evaluated 2022-02-02.

Conditions:
Kabuki syndrome. Also called: NIIKAWA-KUROKI SYNDROME; Kabuki make-up syndrome. Identifiers: Orphanet 2322, MedGen C0796004, MONDO:0016512.
Kabuki syndrome 1 (KABUK1). Also called: KMT2D-Related Kabuki Syndrome. Identifiers: Orphanet 2322, MedGen CN030661, MONDO:0007843, OMIM 147920.

Submissions (2):

Labcorp Genetics (formerly Invitae), Labcorp
Classification: Pathogenic for Kabuki syndrome. Last evaluated: 2022-02-02. Review status: criteria provided, single submitter. Criteria: Invitae Variant Classification Sherloc (09022015). Collection method: clinical testing. Allele origin: germline.
Comment: This variant is not present in population databases (gnomAD no frequency). For these reasons, this variant has been classified as Pathogenic. ClinVar contains an entry for this variant (Variation ID: 917880). This variant has not been reported in the literature in individuals affected with KMT2D-related conditions. This sequence change creates a premature translational stop signal (p.Ile4440Metfs*79) in the KMT2D gene. It is expected to result in an absent or disrupted protein product. Loss-of-function variants in KMT2D are known to be pathogenic (PMID: 22126750).

Institute for Genomic Statistics and Bioinformatics, University Hospital Bonn
Classification: Pathogenic for Kabuki syndrome 1. Review status: criteria provided, single submitter. Criteria: ACMG Guidelines, 2015. Collection method: clinical testing. Allele origin: de novo. Inheritance: Autosomal dominant inheritance. Affected: yes. Observed: 1 heterozygote.
Comment: By sequencing the genes, a disease-causing frame shift variant in the KMT2D gene (transcript: NM_003482) was detected. The name of the variant is: c.13320del; p. (Lle440Metfs * 79). The variant leads to a shift in the reading frame and, after 78 incorrect amino acids, to an early stop codon. An examination of the father was not possible until now. In phenotype-related and population-related databases, the above-mentioned variant is not listed. The ACMG classification of the variant is: pathogenic (Class 5: PVS1, PM2, PP4).

Literature cited by the submitters: PubMed 22126750 (cited by Labcorp Genetics (formerly Invitae), Labcorp).

NM_003482.4(KMT2D):c.13320del (p.Ile4440fs)

Gene: KMT2D (lysine methyltransferase 2D; minus strand). Cytogenetic location: 12q13.12.
Variant type: Deletion.
Coding change: c.13320del on transcript NM_003482.4 (MANE Select); coding-DNA position 13320, one base deleted (A; older notation c.13320delA).
Protein change: p.Ile4440fs; shifts the reading frame from isoleucine 4440.
Molecular consequence: frameshift variant.
Genome position (GRCh38, 1-based): chr12:49,031,385, T deleted on the plus strand (A on the coding strand, the reverse complement: KMT2D is on the minus strand). VCF-style (leftmost placement, unchanged base first): chr12-49031384-CT-C. GRCh37 (hg19) VCF-style: chr12-49425167-CT-C.
Other names: p.lle440Metfs*79; short protein forms I4440fs.
Identifiers: ClinVar variation 917880 (VCV000917880.7), dbSNP rs1845429019, ClinGen allele CA1139662659.